The following is an entry in ClinVar:

ClinVar aggregate classification (germline): Benign. Review status: criteria provided, multiple submitters, no conflicts (2 of 4 stars). 3 submissions from 3 submitters: Benign (3). Last evaluated 2026-02-02.

Conditions:
Retinitis pigmentosa (RP). Identifiers: Orphanet 791, MedGen C0035334, MeSH D012174, MONDO:0019200, OMIM 268000. Inheritance: Autosomal dominant, autosomal recessive and X linked inheritance.

Allele frequency attached by ClinVar (database versions not stated): 1000 Genomes Project 0.03614; 1000 Genomes Project 30x 0.03810; ExAC 0.05013; gnomAD exomes 0.05071 and 0.05405; gnomAD 0.06086 and 0.06362; ESP Exome Variant Server 0.06105; TOPMed 0.06244.
gnomAD v4.1: 88,428 of 1,613,730 alleles (5.5%); highest among the groups gnomAD compares: Middle Eastern, 13%; 2,713 homozygotes.

Submissions (3):

Labcorp Genetics (formerly Invitae), Labcorp
Classification: Benign. Last evaluated: 2026-02-02. Review status: criteria provided, single submitter. Criteria: Invitae Variant Classification Sherloc (09022015). Collection method: clinical testing. Allele origin: germline.

Illumina Laboratory Services, Illumina
Classification: Benign for Retinitis pigmentosa. Last evaluated: 2018-01-13. Review status: criteria provided, single submitter. Criteria: ICSL Variant Classification Criteria 13 December 2019. Collection method: clinical testing. Allele origin: germline.
Comment: This variant was observed in the ICSL laboratory as part of a predisposition screen in an ostensibly healthy population. It had not been previously curated by ICSL or reported in the Human Gene Mutation Database (HGMD: prior to June 1st, 2018), and was therefore a candidate for classification through an automated scoring system. Utilizing variant allele frequency, disease prevalence and penetrance estimates, and inheritance mode, an automated score was calculated to assess if this variant is too frequent to cause the disease. Based on the score and internal cut-off values, a variant classified as benign is not then subjected to further curation. The score for this variant resulted in a classification of benign for this disease.

Breakthrough Genomics
Classification: Benign. Review status: criteria provided, single submitter. Criteria: ACMG Guidelines, 2015. Collection method: not provided. Allele origin: germline. Inheritance: Autosomal dominant inheritance. Affected: yes.

NM_012469.4(PRPF6):c.1647+10C>A

Genes: PRPF6 (pre-mRNA processing factor 6; plus strand), LOC126863090 (P300/CBP strongly-dependent group 1 enhancer GRCh37_chr20:62648052-62649251; plus strand). Cytogenetic location: 20q13.33.
Variant type: single nucleotide variant.
Coding change: c.1647+10C>A on transcript NM_012469.4 (MANE Select); 10 bases into the intron after coding-DNA position 1647, C replaced by A.
Molecular consequence: intron variant.
Genome position (GRCh38, 1-based): chr20:64,016,855, C>A. VCF-style: chr20-64016855-C-A. GRCh37 (hg19) VCF-style: chr20-62648208-C-A.
Identifiers: ClinVar variation 339478 (VCV000339478.14), dbSNP rs816919, ClinGen allele CA9972234.